The following is an entry in ClinVar:

NM_001206999.2(CIT):c.2532-9C>T

Gene: CIT (citron rho-interacting serine/threonine kinase; minus strand). Cytogenetic location: 12q24.23.
Variant type: single nucleotide variant.
Coding change: c.2532-9C>T on transcript NM_001206999.2 (MANE Select); 9 bases into the intron before coding-DNA position 2532, C replaced by T.
Molecular consequence: intron variant.
Genome position (GRCh38, 1-based): chr12:119,757,554, G>A on the plus strand (C>T on the coding strand, the complement: CIT is on the minus strand). VCF-style: chr12-119757554-G-A. GRCh37 (hg19) VCF-style: chr12-120195358-G-A.
Other names: c.2406-9C>T (NM_007174.3).
Identifiers: ClinVar variation 3029556 (VCV003029556.2), dbSNP rs946466934, ClinGen allele CA2621278612.

ClinVar aggregate classification (germline): Likely benign (0 of 4 stars; one submission).

Conditions:
CIT-related disorder. Also called: CIT-related condition.

Allele frequency attached by ClinVar (database versions not stated): gnomAD exomes below 0.00001.
gnomAD v4.1: 6 of 1,614,022 alleles (0.00037%); highest among the groups gnomAD compares: Non-Finnish European, 0.00051%; no homozygotes.

Submission:

PreventionGenetics, part of Exact Sciences
Classification: Likely benign for CIT-related condition. Last evaluated: 2022-05-02. Review status: no assertion criteria provided. Collection method: clinical testing. Allele origin: germline.
Comment: This variant is classified as likely benign based on ACMG/AMP sequence variant interpretation guidelines (Richards et al. 2015 PMID: 25741868, with internal and published modifications).